The following is an entry in ClinVar:

NM_025103.4(IFT74):c.170C>T (p.Thr57Ile)

Gene: IFT74 (intraflagellar transport 74; plus strand). Cytogenetic location: 9p21.2.
Variant type: single nucleotide variant.
Coding change: c.170C>T on transcript NM_025103.4 (MANE Select); coding-DNA position 170, C replaced by T.
Protein change: p.Thr57Ile; replaces threonine 57 with isoleucine.
Molecular consequence: missense variant.
Genome position (GRCh38, 1-based): chr9:26,978,177, C>T. VCF-style: chr9-26978177-C-T. GRCh37 (hg19) VCF-style: chr9-26978175-C-T.
Other names: c.170C>T, p.Thr57Ile (NM_001099222.3, NM_001099223.3, NM_001099224.3 and 1 more transcripts); short protein forms T57I.
Identifiers: ClinVar variation 1470233 (VCV001470233.3), dbSNP rs1024826666, ClinGen allele CA191308281.

ClinVar aggregate classification (germline): Uncertain significance (1 of 4 stars; one submission).

Allele frequency attached by ClinVar (database versions not stated): gnomAD 0.00001; gnomAD exomes 0.00001; TOPMed 0.00002.
gnomAD v4.1: 4 of 1,612,858 alleles (0.00025%); highest among the groups gnomAD compares: Admixed American, 0.0067%; no homozygotes.

Submission:

Labcorp Genetics (formerly Invitae), Labcorp
Classification: Uncertain significance. Last evaluated: 2022-07-05. Review status: criteria provided, single submitter. Criteria: Invitae Variant Classification Sherloc (09022015). Collection method: clinical testing. Allele origin: germline.
Comment: This sequence change replaces threonine, which is neutral and polar, with isoleucine, which is neutral and non-polar, at codon 57 of the IFT74 protein (p.Thr57Ile). This variant is present in population databases (no rsID available, gnomAD 0.009%). This variant has not been reported in the literature in individuals affected with IFT74-related conditions. ClinVar contains an entry for this variant (Variation ID: 1470233). Algorithms developed to predict the effect of missense changes on protein structure and function output the following: SIFT: "Deleterious"; PolyPhen-2: "Benign"; Align-GVGD: "Class C15". The isoleucine amino acid residue is found in multiple mammalian species, which suggests that this missense change does not adversely affect protein function. In summary, the available evidence is currently insufficient to determine the role of this variant in disease. Therefore, it has been classified as a Variant of Uncertain Significance.